The following is an entry in ClinVar:

NM_205834.4(LSR):c.733G>A (p.Val245Ile)

Gene: LSR (lipolysis stimulated lipoprotein receptor; plus strand). Cytogenetic location: 19q13.12.
Variant type: single nucleotide variant.
Coding change: c.733G>A on transcript NM_205834.4 (MANE Select); coding-DNA position 733, G replaced by A.
Protein change: p.Val245Ile; replaces valine 245 with isoleucine.
Molecular consequence: missense variant. On other transcripts: intron variant (3).
Genome position (GRCh38, 1-based): chr19:35,262,647, G>A. VCF-style: chr19-35262647-G-A. GRCh37 (hg19) VCF-style: chr19-35753550-G-A.
Other names: c.877G>A (NM_205834.3, NM_205834.2); c.676G>A, p.Val226Ile (NM_001260489.2, NM_015925.7); c.574+3583G>A (NM_205835.4, NM_001385215.1); c.455-3712G>A (NM_001260490.2); short protein forms V226I, V245I.
Identifiers: ClinVar variation 2712862 (VCV002712862.4), dbSNP rs540686530, ClinGen allele CA9374819.

ClinVar aggregate classification (germline): Uncertain significance. Review status: criteria provided, multiple submitters, no conflicts (2 of 4 stars). 3 submissions from 3 submitters: Uncertain significance (3). Last evaluated 2026-05-30.

Conditions:
LSR-related condition.

Allele frequency attached by ClinVar (database versions not stated): ExAC 0.00003; gnomAD exomes 0.00003; TOPMed 0.00004; gnomAD 0.00007; 1000 Genomes Project 30x 0.00016; 1000 Genomes Project 0.00020.
gnomAD v4.1: 58 of 1,614,134 alleles (0.0036%); highest among the groups gnomAD compares: Admixed American, 0.023%; no homozygotes.

Submissions (3):

PreventionGenetics, part of Exact Sciences
Classification: Uncertain significance for LSR-related condition. Last evaluated: 2026-05-30. Review status: criteria provided, single submitter. Criteria: ACMG Guidelines, 2015. Collection method: clinical testing. Allele origin: germline.
Comment: The LSR c.877G>A variant is predicted to result in the amino acid substitution p.Val293Ile. To our knowledge, this variant has not been reported in the literature. This variant is reported in 0.011% of alleles in individuals of Latino descent in gnomAD. At this time, the clinical significance of this variant is uncertain due to the absence of conclusive functional and genetic evidence.

Ambry Genetics
Classification: Uncertain significance. Last evaluated: 2025-06-03. Review status: criteria provided, single submitter. Criteria: Ambry Variant Classification Scheme 2023. Collection method: clinical testing. Allele origin: germline.

Labcorp Genetics (formerly Invitae), Labcorp
Classification: Uncertain significance. Last evaluated: 2024-08-26. Review status: criteria provided, single submitter. Criteria: Invitae Variant Classification Sherloc (09022015). Collection method: clinical testing. Allele origin: germline.
Comment: This sequence change replaces valine, which is neutral and non-polar, with isoleucine, which is neutral and non-polar, at codon 293 of the LSR protein (p.Val293Ile). This variant is present in population databases (rs540686530, gnomAD 0.01%). This variant has not been reported in the literature in individuals affected with LSR-related conditions. An algorithm developed to predict the effect of missense changes on protein structure and function (PolyPhen-2) suggests that this variant is likely to be disruptive. In summary, the available evidence is currently insufficient to determine the role of this variant in disease. Therefore, it has been classified as a Variant of Uncertain Significance.